The following is an entry in ClinVar:

NM_001206979.2(NR1H4):c.1186T>C (p.Ser396Pro)

Gene: NR1H4 (nuclear receptor subfamily 1 group H member 4; plus strand). Cytogenetic location: 12q23.1.
Variant type: single nucleotide variant.
Coding change: c.1186T>C on transcript NM_001206979.2 (MANE Select); coding-DNA position 1186, T replaced by C.
Protein change: p.Ser396Pro; replaces serine 396 with proline.
Molecular consequence: missense variant. On other transcripts: non-coding transcript variant (1).
Genome position (GRCh38, 1-based): chr12:100,561,992, T>C. VCF-style: chr12-100561992-T-C. GRCh37 (hg19) VCF-style: chr12-100955770-T-C.
Other names: c.1186T>C, p.Ser396Pro (NM_001206977.2); c.1033T>C, p.Ser345Pro (NM_001206978.2); c.1204T>C, p.Ser402Pro (NM_001206992.2); c.1216T>C, p.Ser406Pro (NM_001206993.2); c.1174T>C, p.Ser392Pro (NM_005123.4); short protein forms S345P, S392P, S396P, S402P, S406P.
Identifiers: ClinVar variation 3234828 (VCV003234828.20), dbSNP rs2500815554, ClinGen allele CA386222843.

ClinVar aggregate classification (germline): Uncertain significance (1 of 4 stars; one submission).

Submission:

CeGaT Center for Human Genetics Tuebingen
Classification: Uncertain significance. Last evaluated: 2024-04-01. Review status: criteria provided, single submitter. Criteria: CeGaT Center For Human Genetics Tuebingen Variant Classification Criteria Version 2. Collection method: clinical testing. Allele origin: germline. Affected: yes. Observed: 1 variant allele.
Comment: NR1H4: PM2, PP3